The following is an entry in ClinVar:

NM_006567.5(FARS2):c.697A>G (p.Met233Val)

Gene: FARS2 (phenylalanyl-tRNA synthetase 2, mitochondrial; plus strand). Cytogenetic location: 6p25.1.
Variant type: single nucleotide variant.
Coding change: c.697A>G on transcript NM_006567.5 (MANE Select); coding-DNA position 697, A replaced by G.
Protein change: p.Met233Val; replaces methionine 233 with valine.
Molecular consequence: missense variant. On other transcripts: initiator codon variant (2).
Genome position (GRCh38, 1-based): chr6:5,404,626, A>G. VCF-style: chr6-5404626-A-G. GRCh37 (hg19) VCF-style: chr6-5404859-A-G.
Other names: c.697A>G, p.Met233Val (NM_001318872.2, NM_001374875.1, NM_001374876.1 and 5 more transcripts); c.1A>G, p.Met1Val (NM_001375259.1, NM_001375260.1); short protein forms M1V, M233V.
Identifiers: ClinVar variation 2232075 (VCV002232075.4), dbSNP rs1761449865, ClinGen allele CA362735858.
Genomic context (GRCh38, chr6:5,404,626, plus strand): 5'-GAAAGCCTGCAGCTCTTTGAACAAAGTTCTCGCTCTGCGCATAAACAAGAGACACACACC[A>G]TGGAGGCCGTGAAGCTTGTAGAGTTTGATCTTAAGCAAACGCTTACCAGGCTCATGGCAC-3'
Protein context (NP_006558.1, residues 223-243): RSAHKQETHT[Met233Val]EAVKLVEFDL

ClinVar aggregate classification (germline): Uncertain significance. Review status: criteria provided, multiple submitters, no conflicts (2 of 4 stars). 2 submissions from 2 submitters: Uncertain significance (2). Last evaluated 2025-02-20.

Conditions:
Inborn genetic diseases. Identifiers: MedGen C0950123, MeSH D030342.
Combined oxidative phosphorylation defect type 14. Also called: Combined oxidative phosphorylation deficiency 14. Identifiers: Orphanet 319519, MedGen C4755312, MONDO:0013986, OMIM 614946.

Allele frequency attached by ClinVar (database versions not stated): gnomAD exomes below 0.00001.
gnomAD v4.1: 6 of 1,613,494 alleles (0.00037%); highest among the groups gnomAD compares: African/African-American, 0.0013%; no homozygotes.

Submissions (2):

Labcorp Genetics (formerly Invitae), Labcorp
Classification: Uncertain significance for Combined oxidative phosphorylation defect type 14. Last evaluated: 2025-02-20. Review status: criteria provided, single submitter. Criteria: Invitae Variant Classification Sherloc (09022015). Collection method: clinical testing. Allele origin: germline.
Comment: This sequence change replaces methionine, which is neutral and non-polar, with valine, which is neutral and non-polar, at codon 233 of the FARS2 protein (p.Met233Val). This variant is not present in population databases (gnomAD no frequency). This variant has not been reported in the literature in individuals affected with FARS2-related conditions. ClinVar contains an entry for this variant (Variation ID: 2232075). Invitae Evidence Modeling of protein sequence and biophysical properties (such as structural, functional, and spatial information, amino acid conservation, physicochemical variation, residue mobility, and thermodynamic stability) indicates that this missense variant is not expected to disrupt FARS2 protein function with a negative predictive value of 80%. In summary, the available evidence is currently insufficient to determine the role of this variant in disease. Therefore, it has been classified as a Variant of Uncertain Significance.

Ambry Genetics
Classification: Uncertain significance for Inborn genetic diseases. Last evaluated: 2021-06-15. Review status: criteria provided, single submitter. Criteria: Ambry Variant Classification Scheme 2023. Collection method: clinical testing. Allele origin: germline.